The following is an entry in ClinVar:

ClinVar aggregate classification (germline): Likely benign. Review status: criteria provided, single submitter (1 of 4 stars). 2 submissions from 1 submitter: Likely benign (2). Last evaluated 2018-01-12.

Conditions:
Holoprosencephaly sequence (HPE). Also called: Holoprosencephaly. Identifiers: Orphanet 2162, MedGen C0079541, MONDO:0016296, HP:0001360.
Heterotaxy, visceral, 5, autosomal (HTX5). Also called: Heterotaxy, visceral, 5. Identifiers: Orphanet 450, MedGen C3495537, MONDO:0700112, OMIM 270100.

Allele frequency attached by ClinVar (database versions not stated): 1000 Genomes Project 0.00180; 1000 Genomes Project 30x 0.00234; gnomAD 0.00280; TOPMed 0.00318.

Submissions (2):

Illumina Laboratory Services, Illumina
Classification: Likely benign for Heterotaxy, visceral, 5, autosomal. Last evaluated: 2018-01-12. Review status: criteria provided, single submitter. Criteria: ICSL Variant Classification Criteria 13 December 2019. Collection method: clinical testing. Allele origin: germline.
Comment: This variant was observed in the ICSL laboratory as part of a predisposition screen in an ostensibly healthy population. It had not been previously curated by ICSL or reported in the Human Gene Mutation Database (HGMD: prior to June 1st, 2018), and was therefore a candidate for classification through an automated scoring system. Utilizing variant allele frequency, disease prevalence and penetrance estimates, and inheritance mode, an automated score was calculated to assess if this variant is too frequent to cause the disease. Based on the score and internal cut-off values, a variant classified as likely benign is not then subjected to further curation. The score for this variant resulted in a classification of likely benign for this disease.

Illumina Laboratory Services, Illumina
Classification: Likely benign for Holoprosencephaly sequence. Last evaluated: 2018-01-12. Review status: criteria provided, single submitter. Criteria: ICSL Variant Classification Criteria 13 December 2019. Collection method: clinical testing. Allele origin: germline.
Comment: the same text as in the submission from Illumina Laboratory Services, Illumina above.

NM_018055.5(NODAL):c.*677C>T

Gene: NODAL (nodal growth differentiation factor; minus strand). Cytogenetic location: 10q22.1.
Variant type: single nucleotide variant.
Coding change: c.*677C>T on transcript NM_018055.5 (MANE Select); 677 bases downstream of the stop codon, C replaced by T.
Molecular consequence: 3 prime UTR variant.
Genome position (GRCh38, 1-based): chr10:70,432,259, G>A on the plus strand (C>T on the coding strand, the complement: NODAL is on the minus strand). VCF-style: chr10-70432259-G-A. GRCh37 (hg19) VCF-style: chr10-72192015-G-A.
Other names: c.*677C>T (NM_001329906.2).
Identifiers: ClinVar variation 300291 (VCV000300291.5), dbSNP rs184218697, ClinGen allele CA10628758.